The following is an entry in ClinVar:

NM_017514.5(PLXNA3):c.5208C>T (p.Phe1736=)

Gene: PLXNA3 (plexin A3; plus strand). Cytogenetic location: Xq28.
Variant type: single nucleotide variant.
Coding change: c.5208C>T on transcript NM_017514.5 (MANE Select); coding-DNA position 5208, C replaced by T.
Protein change: p.Phe1736=; no amino-acid change (phenylalanine 1736 retained).
Molecular consequence: synonymous variant.
Genome position (GRCh38, 1-based): chrX:154,471,156, C>T. VCF-style: chrX-154471156-C-T. GRCh37 (hg19) VCF-style: chrX-153699499-C-T.
Identifiers: ClinVar variation 3355629 (VCV003355629.1).
Genomic context (GRCh38, chrX:154,471,156, plus strand): 5'-TGTCCACAGCCTGCCGCTGCGCTTCTGGGTGAATGTGATCAAGAACCCGCAGTTCGTGTT[C>T]GACATCCACAAGAACAGCATCACGGATGCCTGCCTGTCGGTGGTAGCCCAGACCTTCATG-3'
Protein context (NP_059984.3, residues 1726-1746): VNVIKNPQFV[Phe1736=]DIHKNSITDA

ClinVar aggregate classification (germline): Likely benign (0 of 4 stars; one submission).

Conditions:
PLXNA3-related disorder. Also called: PLXNA3-related condition.

gnomAD v4.1: 24 of 1,209,049 alleles (0.002%); highest among the groups gnomAD compares: African/African-American, 0.032%; no homozygotes.

Submission:

PreventionGenetics, part of Exact Sciences
Classification: Likely benign for PLXNA3-related condition. Last evaluated: 2023-11-29. Review status: no assertion criteria provided. Collection method: clinical testing. Allele origin: germline.
Comment: This variant is classified as likely benign based on ACMG/AMP sequence variant interpretation guidelines (Richards et al. 2015 PMID: 25741868, with internal and published modifications).